The following is an entry in ClinVar:

NM_000540.3(RYR1):c.13301_13314del (p.Ala4434fs)

Genes: RYR1 (ryanodine receptor 1; plus strand), LOC130064357 (ATAC-STARR-seq lymphoblastoid silent region 10577; plus strand). Cytogenetic location: 19q13.2.
Variant type: Deletion.
Coding change: c.13301_13314del on transcript NM_000540.3 (MANE Select); coding-DNA positions 13301 to 13314, 14 bases deleted (CCGACGGGGCGGTG).
Protein change: p.Ala4434fs; shifts the reading frame from alanine 4434.
Molecular consequence: frameshift variant.
Genome position (GRCh38, 1-based): chr19:38,565,635-38,565,648, CCGACGGGGCGGTG deleted; deleting any 14 consecutive bases within chr19:38,565,627-38,565,648 gives the same sequence; the c. name uses the placement nearest the transcript's 3' end. VCF-style (leftmost placement, unchanged base first): chr19-38565626-CGGGCGGTGCCGACG-C. GRCh37 (hg19) VCF-style: chr19-39056266-CGGGCGGTGCCGACG-C.
Other names: c.13286_13299del, p.Ala4429fs (NM_001042723.2); short protein forms A4429fs, A4434fs.
Identifiers: ClinVar variation 4734597 (VCV004734597.1).

ClinVar aggregate classification (germline): Pathogenic (1 of 4 stars; one submission).

Conditions:
RYR1-related disorder. Also called: RYR1-related condition; RYR1-related disorders. Identifiers: MedGen CN239331.

Submission:

Labcorp Genetics (formerly Invitae), Labcorp
Classification: Pathogenic for RYR1-related disorder. Last evaluated: 2026-01-02. Review status: criteria provided, single submitter. Criteria: Invitae Variant Classification Sherloc (09022015). Collection method: clinical testing. Allele origin: germline.
Comment: This sequence change creates a premature translational stop signal (p.Ala4434Glyfs*144) in the RYR1 gene. It is expected to result in an absent or disrupted protein product. Loss-of-function variants in RYR1 are known to be pathogenic (PMID: 23919265, 25960145, 28818389, 30611313). This variant is not present in population databases (gnomAD no frequency). This variant has not been reported in the literature in individuals affected with RYR1-related conditions. For these reasons, this variant has been classified as Pathogenic.

Literature cited by the submitters: PubMed 23919265; PubMed 25960145; PubMed 28818389; PubMed 30611313.